The following is an entry in ClinVar:

ClinVar aggregate classification (germline): Uncertain significance (1 of 4 stars; one submission).

Conditions:
UTP4-related disorder. Also called: UTP4-related condition.

Submission:

PreventionGenetics, part of Exact Sciences
Classification: Uncertain significance for UTP4-related condition. Last evaluated: 2026-08-18. Review status: criteria provided, single submitter. Criteria: ACMG Guidelines, 2015. Collection method: clinical testing. Allele origin: germline.
Comment: The UTP4 c.1247A>G variant is predicted to result in the amino acid substitution p.Tyr416Cys. To our knowledge, this variant has not been reported in the literature. This variant is reported in 0.016% of alleles in individuals of East Asian descent in gnomAD. At this time, the clinical significance of this variant is uncertain due to the absence of conclusive functional and genetic evidence.

NM_032830.3(UTP4):c.1247A>G (p.Tyr416Cys)

Gene: UTP4 (UTP4 small subunit processome component). Cytogenetic location: 16q22.1.
Variant type: single nucleotide variant.
Coding change: c.1247A>G on transcript NM_032830.3 (MANE Select); coding-DNA position 1247, A replaced by G.
Protein change: p.Tyr416Cys; replaces tyrosine 416 with cysteine.
Molecular consequence: missense variant.
Genome position (GRCh38, 1-based): chr16:69,155,953, A>G. VCF-style: chr16-69155953-A-G. GRCh37 (hg19) VCF-style: chr16-69189856-A-G.
Other names: c.998A>G, p.Tyr333Cys (NM_001318391.2); short protein forms Y416C, Y333C.
Identifiers: ClinVar variation 4977383 (VCV004977383.1).
Genomic context (GRCh38, chr16:69,155,953, plus strand): 5'-GCTGTATCTCCCCATGTGGAAGTTGGATAGCCTATTCTACAGTTTCTCGGTTTTTTCTCT[A>G]TCGGCTGAATTATGAACATGACAACATAAGCCTCAAAAGGGTAAGTGATAGTCCAATATC-3'
Protein context (NP_116219.2, residues 406-426): AYSTVSRFFL[Tyr416Cys]RLNYEHDNIS